The following is an entry in ClinVar:

ClinVar aggregate classification (germline): Likely pathogenic (1 of 4 stars; one submission).

Submission:

Dasa
Classification: Likely pathogenic. Last evaluated: 2026-04-17. Review status: criteria provided, single submitter. Criteria: DASA Assertion Criteria. Collection method: clinical testing. Allele origin: germline.
Comment: NM_145038.5(DRC1):c.228_231del (p.Glu77Lysfs*4) is a frameshift variant in DRC1 predicted to alter the reading frame and introduce a premature termination codon and is predicted to result in an absent or altered protein product. Loss of function is an established disease mechanism for DRC1-associated disorders. Also, this variant is rare in population databases. Based on the currently available evidence, this variant is classified as likely pathogenic.

NM_145038.5(DRC1):c.228_231del (p.Glu77fs)

Gene: DRC1 (dynein regulatory complex subunit 1; plus strand). Cytogenetic location: 2p23.3.
Variant type: Microsatellite.
Coding change: c.228_231del on transcript NM_145038.5 (MANE Select); coding-DNA positions 228 to 231, 4 bases deleted (AGAA; older notation c.228_231delAGAA).
Protein change: p.Glu77fs; shifts the reading frame from glutamic acid 77.
Molecular consequence: frameshift variant.
Genome position (GRCh38, 1-based): chr2:26,414,416-26,414,419, AGAA deleted; deleting any 4 consecutive bases within chr2:26,414,412-26,414,419 gives the same sequence; the c. name uses the placement nearest the transcript's 3' end. VCF-style (leftmost placement, unchanged base first): chr2-26414411-CAGAA-C. GRCh37 (hg19) VCF-style: chr2-26637279-CAGAA-C.
Other names: short protein forms E77fs.
Identifiers: ClinVar variation 4886558 (VCV004886558.2).